The following is an entry in ClinVar:

NM_001453.3(FOXC1):c.1174A>G (p.Thr392Ala)

Gene: FOXC1 (forkhead box C1; plus strand). Cytogenetic location: 6p25.3.
Variant type: single nucleotide variant.
Coding change: c.1174A>G on transcript NM_001453.3 (MANE Select); coding-DNA position 1174, A replaced by G.
Protein change: p.Thr392Ala; replaces threonine 392 with alanine.
Molecular consequence: missense variant.
Genome position (GRCh38, 1-based): chr6:1,611,619, A>G. VCF-style: chr6-1611619-A-G. GRCh37 (hg19) VCF-style: chr6-1611854-A-G.
Other names: short protein forms T392A.
Identifiers: ClinVar variation 1943502 (VCV001943502.5), dbSNP rs2480506049, ClinGen allele CA362560364.

ClinVar aggregate classification (germline): Uncertain significance (1 of 4 stars; one submission).

Conditions:
Axenfeld-Rieger syndrome type 3 (RIEG3). Also called: AXENFELD-RIEGER ANOMALY WITH CARDIAC DEFECTS AND/OR SENSORINEURAL HEARING LOSS. Identifiers: Orphanet 782, MedGen C2678503, MONDO:0011233, OMIM 602482.

Submission:

Labcorp Genetics (formerly Invitae), Labcorp
Classification: Uncertain significance for Axenfeld-Rieger syndrome type 3. Last evaluated: 2023-06-29. Review status: criteria provided, single submitter. Criteria: Invitae Variant Classification Sherloc (09022015). Collection method: clinical testing. Allele origin: germline.
Comment: This sequence change replaces threonine, which is neutral and polar, with alanine, which is neutral and non-polar, at codon 392 of the FOXC1 protein (p.Thr392Ala). The frequency data for this variant in the population databases is considered unreliable, as metrics indicate insufficient coverage at this position in the gnomAD database. This variant has not been reported in the literature in individuals affected with FOXC1-related conditions. ClinVar contains an entry for this variant (Variation ID: 1943502). An algorithm developed to predict the effect of missense changes on protein structure and function (PolyPhen-2) suggests that this variant is likely to be tolerated. In summary, the available evidence is currently insufficient to determine the role of this variant in disease. Therefore, it has been classified as a Variant of Uncertain Significance.